The following is an entry in ClinVar:

ClinVar aggregate classification (germline): Likely pathogenic. Review status: criteria provided, multiple submitters, no conflicts (2 of 4 stars). 2 submissions from 2 submitters: Likely pathogenic (2). Last evaluated 2026-02-09.

Conditions:
Combined oxidative phosphorylation defect type 17. Also called: Combined oxidative phosphorylation deficiency 17. Identifiers: Orphanet 369913, MedGen C3809526, MONDO:0014190, OMIM 615440.

Submissions (2):

Women's Health and Genetics/Laboratory Corporation of America, LabCorp
Classification: Likely pathogenic for Combined oxidative phosphorylation defect type 17. Last evaluated: 2026-02-09. Review status: criteria provided, single submitter. Criteria: LabCorp Variant Classification Summary - May 2015. Collection method: clinical testing. Allele origin: germline.
Comment: Variant summary: ELAC2 c.1080-1G>C is located in a canonical splice-site and is predicted to affect mRNA splicing resulting in a significantly altered protein due to either exon skipping, shortening, or inclusion of intronic material. Variants that disrupt the consensus splice site are a relatively common cause of aberrant splicing and loss of ELAC2 function. Several computational tools predict a significant impact on normal splicing: Four predict the variant abolishes a 3' acceptor site. However, these predictions have yet to be confirmed by functional studies. The variant was absent in 225524 control chromosomes. To our knowledge, no occurrence of c.1080-1G>C in individuals affected with ELAC2-related conditions and no experimental evidence demonstrating its impact on protein function have been reported. ClinVar contains an entry for this variant (Variation ID: 1525923). Based on the evidence outlined above, the variant was classified as likely pathogenic.

Labcorp Genetics (formerly Invitae), Labcorp
Classification: Likely pathogenic for Combined oxidative phosphorylation defect type 17. Last evaluated: 2024-11-28. Review status: criteria provided, single submitter. Criteria: Invitae Variant Classification Sherloc (09022015). Collection method: clinical testing. Allele origin: germline.
Comment: This sequence change affects an acceptor splice site in intron 12 of the ELAC2 gene. It is expected to disrupt RNA splicing. Variants that disrupt the donor or acceptor splice site typically lead to a loss of protein function (PMID: 16199547), and loss-of-function variants in ELAC2 are known to be pathogenic (PMID: 27769300, 31045291). This variant is not present in population databases (gnomAD no frequency). This variant has not been reported in the literature in individuals affected with ELAC2-related conditions. ClinVar contains an entry for this variant (Variation ID: 1525923). Algorithms developed to predict the effect of sequence changes on RNA splicing suggest that this variant may disrupt the consensus splice site. In summary, the currently available evidence indicates that the variant is pathogenic, but additional data are needed to prove that conclusively. Therefore, this variant has been classified as Likely Pathogenic.

Literature cited by the submitters: PubMed 16199547 (cited by Labcorp Genetics (formerly Invitae), Labcorp); PubMed 27769300 (cited by Labcorp Genetics (formerly Invitae), Labcorp); PubMed 31045291 (cited by Labcorp Genetics (formerly Invitae), Labcorp).

NM_018127.7(ELAC2):c.1080-1G>C

Gene: ELAC2 (elaC ribonuclease Z 2; minus strand). Cytogenetic location: 17p12.
Variant type: single nucleotide variant.
Coding change: c.1080-1G>C on transcript NM_018127.7 (MANE Select); the canonical splice acceptor site of the intron before coding-DNA position 1080, G replaced by C.
Molecular consequence: splice acceptor variant.
Genome position (GRCh38, 1-based): chr17:13,002,580, C>G on the plus strand (G>C on the coding strand, the complement: ELAC2 is on the minus strand). VCF-style: chr17-13002580-C-G. GRCh37 (hg19) VCF-style: chr17-12905897-C-G.
Other names: c.960-1G>C (NM_001165962.2); c.1080-1G>C (NM_173717.2).
Identifiers: ClinVar variation 1525923 (VCV001525923.7), dbSNP rs2143607002, ClinGen allele CA398225592.